The following is an entry in ClinVar:

NM_001845.6(COL4A1):c.1294G>T (p.Val432Leu)

Genes: COL4A1 (collagen type IV alpha 1 chain; minus strand), LOC126861856 (BRD4-independent group 4 enhancer GRCh37_chr13:110846747-110847946; plus strand). Cytogenetic location: 13q34.
Variant type: single nucleotide variant.
Coding change: c.1294G>T on transcript NM_001845.6 (MANE Select); coding-DNA position 1294, G replaced by T.
Protein change: p.Val432Leu; replaces valine 432 with leucine.
Molecular consequence: missense variant.
Genome position (GRCh38, 1-based): chr13:110,195,110, C>A on the plus strand (G>T on the coding strand, the complement: COL4A1 is on the minus strand). VCF-style: chr13-110195110-C-A. GRCh37 (hg19) VCF-style: chr13-110847457-C-A.
Other names: c.1294G>T, p.Val432Leu (NM_001303110.2); short protein forms V432L.
Identifiers: ClinVar variation 2790920 (VCV002790920.3), dbSNP rs1362542874, ClinGen allele CA388723846.

ClinVar aggregate classification (germline): Uncertain significance (1 of 4 stars; one submission).

gnomAD v4.1: 1 of 1,613,932 alleles (0.000062%); highest among the groups gnomAD compares: African/African-American, 0.0013%; no homozygotes.

Submission:

Labcorp Genetics (formerly Invitae), Labcorp
Classification: Uncertain significance. Last evaluated: 2025-06-12. Review status: criteria provided, single submitter. Criteria: Invitae Variant Classification Sherloc (09022015). Collection method: clinical testing. Allele origin: germline.
Comment: This sequence change replaces valine, which is neutral and non-polar, with leucine, which is neutral and non-polar, at codon 432 of the COL4A1 protein (p.Val432Leu). This variant is not present in population databases (gnomAD no frequency). This variant has not been reported in the literature in individuals affected with COL4A1-related conditions. ClinVar contains an entry for this variant (Variation ID: 2790920). Invitae Evidence Modeling of protein sequence and biophysical properties (such as structural, functional, and spatial information, amino acid conservation, physicochemical variation, residue mobility, and thermodynamic stability) indicates that this missense variant is not expected to disrupt COL4A1 protein function with a negative predictive value of 95%. In summary, the available evidence is currently insufficient to determine the role of this variant in disease. Therefore, it has been classified as a Variant of Uncertain Significance.